The following is an entry in ClinVar:

ClinVar aggregate classification (germline): Uncertain significance (1 of 4 stars; one submission).

Conditions:
Congenital sideroblastic anemia-B-cell immunodeficiency-periodic fever-developmental delay syndrome. Also called: Sideroblastic anemia with B-cell immunodeficiency, periodic fevers, and developmental delay. Identifiers: Orphanet 369861, MedGen C4015172, MONDO:0014487, OMIM 616084.

Allele frequency attached by ClinVar (database versions not stated): TOPMed 0.00001; gnomAD exomes 0.00004 and 0.00006; gnomAD 0.00006 and 0.00007; ExAC 0.00007.
gnomAD v4.1: 67 of 1,611,144 alleles (0.0042%); highest among the groups gnomAD compares: Non-Finnish European, 0.00076%; no homozygotes.

Submission:

Labcorp Genetics (formerly Invitae), Labcorp
Classification: Uncertain significance for Sideroblastic anemia with B-cell immunodeficiency, periodic fevers, and developmental delay. Last evaluated: 2018-08-06. Review status: criteria provided, single submitter. Criteria: Invitae Variant Classification Sherloc (09022015). Collection method: clinical testing. Allele origin: germline.
Comment: This sequence change replaces phenylalanine with valine at codon 349 of the TRNT1 protein (p.Phe349Val). The phenylalanine residue is moderately conserved and there is a small physicochemical difference between phenylalanine and valine. This variant is present in population databases (rs760473412, ExAC 0.05%). This variant has not been reported in the literature in individuals with TRNT1-related disease. Algorithms developed to predict the effect of missense changes on protein structure and function (SIFT, PolyPhen-2, Align-GVGD) all suggest that this variant is likely to be tolerated, but these predictions have not been confirmed by published functional studies and their clinical significance is uncertain. In summary, the available evidence is currently insufficient to determine the role of this variant in disease. Therefore, it has been classified as a Variant of Uncertain Significance.

NM_182916.3(TRNT1):c.1045T>G (p.Phe349Val)

Gene: TRNT1 (tRNA nucleotidyl transferase 1; plus strand). Cytogenetic location: 3p26.2.
Variant type: single nucleotide variant.
Coding change: c.1045T>G on transcript NM_182916.3 (MANE Select); coding-DNA position 1045, T replaced by G.
Protein change: p.Phe349Val; replaces phenylalanine 349 with valine.
Molecular consequence: missense variant. On other transcripts: non-coding transcript variant (8).
Genome position (GRCh38, 1-based): chr3:3,147,692, T>G. VCF-style: chr3-3147692-T-G. GRCh37 (hg19) VCF-style: chr3-3189376-T-G.
Other names: c.1045T>G, p.Phe349Val (LRG_1314t1, NM_001367321.1, NM_001367322.1 and 1 more transcripts); c.985T>G, p.Phe329Val (NM_001302946.2); short protein forms F349V, F329V.
Identifiers: ClinVar variation 659739 (VCV000659739.1), dbSNP rs760473412, ClinGen allele CA2228850.